The following is an entry in ClinVar:

NM_000152.5(GAA):c.955+1G>A

Gene: GAA (alpha glucosidase; plus strand). Cytogenetic location: 17q25.3.
Variant type: single nucleotide variant.
Coding change: c.955+1G>A on transcript NM_000152.5 (MANE Select); the canonical splice donor site of the intron after coding-DNA position 955, G replaced by A.
Molecular consequence: splice donor variant.
Genome position (GRCh38, 1-based): chr17:80,107,897, G>A. VCF-style: chr17-80107897-G-A. GRCh37 (hg19) VCF-style: chr17-78081696-G-A.
Other names: c.955+1G>A (NM_001406741.1, NM_001406742.1, NM_001079803.3 and 1 more transcripts).
Identifiers: ClinVar variation 932905 (VCV000932905.7), dbSNP rs1403691329, ClinGen allele CA401364293.
Genomic context (GRCh38, chr17:80,107,897, plus strand): 5'-TGGCGCTGGAGGACGGCGGGTCGGCACACGGGGTGTTCCTGCTAAACAGCAATGCCATGG[G>A]TAAGCTGCCCGCCGCCCAGCGCCCGGGCCGGGGTCTCCTCCGTGCTGCCTGCCCTGGAGA-3'

ClinVar aggregate classification (germline): Pathogenic. Review status: reviewed by expert panel (3 of 4 stars). 3 submissions from 3 submitters: Pathogenic (1). 2 of the submissions do not count toward it. Last evaluated 2020-02-14.

Conditions:
Glycogen storage disease, type II (IOPD). Also called: Glycogen storage disease type 2; Acid maltase deficiency disease; Aglucosidase alfa; Deficiency of alpha-glucosidase; Deficiency of lysosomal alpha-glucosidase; Glucosidase acid-1,4-alpha deficiency. Identifiers: Orphanet 365, MedGen C0017921, MONDO:0009290, OMIM 232300.

Submissions (3):

ClinGen Lysosomal Storage Disorder Variant Curation Expert Panel
Classification: Pathogenic for Glycogen storage disease, type II. Last evaluated: 2020-02-14. Review status: reviewed by expert panel. Criteria: ClinGen LSD ACMG Specifications v1. Collection method: curation. Allele origin: germline. Inheritance: Autosomal recessive inheritance.
Comment: This variant, c.955+1G>A, alters the donor splice site of intron 5 in the GAA gene. Assuming that skipping of exon 5 occurs, this would cause a frameshift, resulting in a premature termination codon and lack of GAA gene product, meeting PVS1. The variant is absent in gnomAD v2.1.1, meeting PM2. This variant was found in compound heterozygosity with a pathogenic variant in GAA, c.1438-2A>G, in a patient who also meets the ClinGen LSD VCEP's PP4 specifications (PMID 29422078). The phase is unknown. This data meets PM3_Supporting. There is no ClinVar entry for this variant. In summary, this variant meets the criteria to be classified as pathogenic for Pompe disease. GAA-specific ACMG/AMP criteria applied, as specified by the ClinGen LSD VCEP: PVS1, PM2, PM3_Supporting, PP4.

Genomenon, Inc
Classification: Pathogenic for Glycogen storage disease, type II. Last evaluated: 2026-07-01. Review status: criteria provided, single submitter. Criteria: Genomenon Sequence Variant Interpretation Standards - Updated. Collection method: curation. Allele origin: germline. Affected: yes. Not counted in ClinVar's aggregate classification.
Comment: GAA c.955+1G>A is a canonical splice variant affecting the donor splice site of intron 5. It is predicted to affect mRNA splicing, leading to a deleterious effect on the GAA protein. This variant has been observed in at least one proband with a GAA-related disorder (PMID:29422078). It is absent or not present at a significant frequency in gnomAD. In conclusion, we classify GAA c.955+1G>A as a pathogenic variant.

Labcorp Genetics (formerly Invitae), Labcorp
Classification: Pathogenic for Glycogen storage disease, type II. Last evaluated: 2024-01-02. Review status: criteria provided, single submitter. Criteria: Invitae Variant Classification Sherloc (09022015). Collection method: clinical testing. Allele origin: germline. Not counted in ClinVar's aggregate classification.
Comment: This sequence change affects a donor splice site in intron 5 of the GAA gene. It is expected to disrupt RNA splicing. Variants that disrupt the donor or acceptor splice site typically lead to a loss of protein function (PMID: 16199547), and loss-of-function variants in GAA are known to be pathogenic (PMID: 18425781, 22252923). This variant is not present in population databases (gnomAD no frequency). Disruption of this splice site has been observed in individual(s) with Pompe disease (PMID: 29422078). ClinVar contains an entry for this variant (Variation ID: 932905). Algorithms developed to predict the effect of sequence changes on RNA splicing suggest that this variant may disrupt the consensus splice site. For these reasons, this variant has been classified as Pathogenic.

Literature cited by the submitters: PubMed 29422078 (cited by 3 submitters); PubMed 16199547 (cited by Labcorp Genetics (formerly Invitae), Labcorp); PubMed 18425781 (cited by Labcorp Genetics (formerly Invitae), Labcorp); PubMed 22252923 (cited by Labcorp Genetics (formerly Invitae), Labcorp).